The following is an entry in ClinVar:

ClinVar aggregate classification (germline): Likely pathogenic (1 of 4 stars; one submission).

gnomAD v4.1: 15 of 1,612,706 alleles (0.00093%); highest among the groups gnomAD compares: Admixed American, 0.0017%; no homozygotes.

Submission:

Dasa
Classification: Likely pathogenic. Last evaluated: 2026-02-18. Review status: criteria provided, single submitter. Criteria: DASA Assertion Criteria. Collection method: clinical testing. Allele origin: germline.
Comment: NM_004539.4(NARS):c.985C>T (p.Arg329*) is a nonsense variant in NARS predicted to introduce a premature termination codon and is predicted to result in an absent or altered protein product. Loss of function is an established disease mechanism for NARS-associated disorders. Also, this variant is rare in population databases. Based on the currently available evidence, this variant is classified as likely pathogenic.

NM_004539.4(NARS1):c.985C>T (p.Arg329Ter)

Gene: NARS1 (asparaginyl-tRNA synthetase 1; minus strand). Cytogenetic location: 18q21.31.
Variant type: single nucleotide variant.
Coding change: c.985C>T on transcript NM_004539.4 (MANE Select); coding-DNA position 985, C replaced by T.
Protein change: p.Arg329Ter; replaces arginine 329 with a stop codon.
Molecular consequence: nonsense.
Genome position (GRCh38, 1-based): chr18:57,607,150, G>A on the plus strand (C>T on the coding strand, the complement: NARS1 is on the minus strand). VCF-style: chr18-57607150-G-A. GRCh37 (hg19) VCF-style: chr18-55274382-G-A.
Other names: short protein forms R329*.
Identifiers: ClinVar variation 4886412 (VCV004886412.2).